The following is an entry in ClinVar:

NM_002204.4(ITGA3):c.1173T>C (p.Ala391=)

Gene: ITGA3 (integrin subunit alpha 3; plus strand). Cytogenetic location: 17q21.33.
Variant type: single nucleotide variant.
Coding change: c.1173T>C on transcript NM_002204.4 (MANE Select); coding-DNA position 1173, T replaced by C.
Protein change: p.Ala391=; no amino-acid change (alanine 391 retained).
Molecular consequence: synonymous variant.
Genome position (GRCh38, 1-based): chr17:50,073,932, T>C. VCF-style: chr17-50073932-T-C. GRCh37 (hg19) VCF-style: chr17-48151296-T-C.
Identifiers: ClinVar variation 791042 (VCV000791042.19), dbSNP rs117783166, ClinGen allele CA8641447.

ClinVar aggregate classification (germline): Benign/Likely benign. Review status: criteria provided, multiple submitters, no conflicts (2 of 4 stars). 3 submissions from 3 submitters: Benign (2); Likely benign (1). Last evaluated 2026-06-01.

Allele frequency attached by ClinVar (database versions not stated): 1000 Genomes Project 0.00200; 1000 Genomes Project 30x 0.00203; gnomAD exomes 0.00271 and 0.00401; ExAC 0.00274; gnomAD 0.00281 and 0.00294; TOPMed 0.00291; ESP Exome Variant Server 0.00346.
gnomAD v4.1: 6,258 of 1,613,850 alleles (0.39%); highest among the groups gnomAD compares: Non-Finnish European, 0.48%; 18 homozygotes.

Submissions (3):

CeGaT Center for Human Genetics Tuebingen
Classification: Likely benign. Last evaluated: 2026-06-01. Review status: criteria provided, single submitter. Criteria: CeGaT Center For Human Genetics Tuebingen Variant Classification Criteria Version 2. Collection method: clinical testing. Allele origin: germline. Affected: yes. Observed: 3 variant alleles.
Comment: ITGA3: BP4, BP7, BS2

Labcorp Genetics (formerly Invitae), Labcorp
Classification: Benign. Last evaluated: 2026-01-18. Review status: criteria provided, single submitter. Criteria: Invitae Variant Classification Sherloc (09022015). Collection method: clinical testing. Allele origin: germline.

Breakthrough Genomics
Classification: Benign. Review status: criteria provided, single submitter. Criteria: ACMG Guidelines, 2015. Collection method: not provided. Allele origin: germline. Inheritance: Autosomal recessive inheritance. Affected: yes.